The following is an entry in ClinVar:

ClinVar aggregate classification (germline): Uncertain significance. Review status: criteria provided, multiple submitters, no conflicts (2 of 4 stars). 2 submissions from 2 submitters: Uncertain significance (2). Last evaluated 2025-09-28.

Conditions:
Hereditary cancer-predisposing syndrome. Also called: Hereditary Cancer Syndrome; Hereditary neoplastic syndrome; Tumor predisposition; Neoplastic Syndromes, Hereditary. Identifiers: Orphanet 140162, MedGen C0027672, MeSH D009386, MONDO:0015356.

Allele frequency attached by ClinVar (database versions not stated): gnomAD exomes below 0.00001; ExAC 0.00003.
gnomAD v4.1: 2 of 1,584,710 alleles (0.00013%); highest among the groups gnomAD compares: Non-Finnish European, 0.00017%; no homozygotes.

Submissions (2):

Ambry Genetics
Classification: Uncertain significance for Hereditary cancer-predisposing syndrome. Last evaluated: 2025-09-28. Review status: criteria provided, single submitter. Criteria: Ambry Variant Classification Scheme 2023. Collection method: clinical testing. Allele origin: germline.
Comment: The p.L39P variant (also known as c.116T>C), located in coding exon 1 of the NTHL1 gene, results from a T to C substitution at nucleotide position 116. The leucine at codon 39 is replaced by proline, an amino acid with similar properties. This amino acid position is conserved. In addition, this alteration is predicted to be tolerated by in silico analysis. Based on the available evidence, the clinical significance of this variant remains unclear.

Labcorp Genetics (formerly Invitae), Labcorp
Classification: Uncertain significance. Last evaluated: 2023-04-16. Review status: criteria provided, single submitter. Criteria: Invitae Variant Classification Sherloc (09022015). Collection method: clinical testing. Allele origin: germline.
Comment: In summary, the available evidence is currently insufficient to determine the role of this variant in disease. Therefore, it has been classified as a Variant of Uncertain Significance. Algorithms developed to predict the effect of missense changes on protein structure and function output the following: SIFT: "Not Available"; PolyPhen-2: "Benign"; Align-GVGD: "Not Available". The proline amino acid residue is found in multiple mammalian species, which suggests that this missense change does not adversely affect protein function. This variant has not been reported in the literature in individuals affected with NTHL1-related conditions. The frequency data for this variant in the population databases is considered unreliable, as metrics indicate poor data quality at this position in the gnomAD database. This sequence change replaces leucine, which is neutral and non-polar, with proline, which is neutral and non-polar, at codon 39 of the NTHL1 protein (p.Leu39Pro).

NM_002528.7(NTHL1):c.92T>C (p.Leu31Pro)

Gene: NTHL1 (nth like DNA glycosylase 1; minus strand). Cytogenetic location: 16p13.3.
Variant type: single nucleotide variant.
Coding change: c.92T>C on transcript NM_002528.7 (MANE Select); coding-DNA position 92, T replaced by C.
Protein change: p.Leu31Pro; replaces leucine 31 with proline.
Molecular consequence: missense variant. On other transcripts: 5 prime UTR variant (1).
Genome position (GRCh38, 1-based): chr16:2,047,732, A>G on the plus strand (T>C on the coding strand, the complement: NTHL1 is on the minus strand). VCF-style: chr16-2047732-A-G. GRCh37 (hg19) VCF-style: chr16-2097733-A-G.
Other names: c.92T>C, p.Leu31Pro (NM_001318193.2); c.-87T>C (NM_001318194.2); c.116T>C (NM_002528.5); short protein forms L31P.
Identifiers: ClinVar variation 2901531 (VCV002901531.4), dbSNP rs776714028, ClinGen allele CA027420.
Genomic context (GRCh38, chr16:2,047,732, plus strand): 5'-CGCCTCCTCCCACGCTCCAGCCACGGCGCGGCGCTACCTGCTGCAGCCTCTCTTCTCCGG[A>G]GAGGCCCGGGCTCCTCCCTACACCCCCGCGGCCCAGCCCCGGGTCCCAGGCTCCGGCTCC-3'
Protein context (NP_002519.2, residues 21-41): PRGCREEPGP[Leu31Pro]RRREAAAEAR